The following is an entry in ClinVar:

NM_000094.4(COL7A1):c.4232dup (p.Gly1412fs)

Gene: COL7A1 (collagen type VII alpha 1 chain; minus strand). Cytogenetic location: 3p21.31.
Variant type: Duplication.
Coding change: c.4232dup on transcript NM_000094.4 (MANE Select); coding-DNA position 4232, one base duplicated (C; older notation c.4232dupC).
Protein change: p.Gly1412fs; shifts the reading frame from glycine 1412.
Molecular consequence: frameshift variant.
Genome position (GRCh38, 1-based): chr3:48,583,946, G duplicated on the plus strand (C on the coding strand, the reverse complement: COL7A1 is on the minus strand); the first of 5 consecutive G bases (chr3:48,583,946-48,583,950); duplicating any one gives the same sequence. VCF-style (leftmost placement, unchanged base first): chr3-48583945-A-AG. GRCh37 (hg19) VCF-style: chr3-48621378-A-AG.
Other names: c.4232dup (NM_000094.3); short protein forms G1412fs.
Identifiers: ClinVar variation 4817375 (VCV004817375.2).

ClinVar aggregate classification (germline): Pathogenic/Likely pathogenic. Review status: criteria provided, multiple submitters, no conflicts (2 of 4 stars). 2 submissions from 2 submitters: Pathogenic (1); Likely pathogenic (1). Last evaluated 2025-08-06.

Conditions:
Recessive dystrophic epidermolysis bullosa (RDEB). Also called: Epidermolysis Bullosa Distrophica Autosomal Recessive (RDEB); severe generalized recessive dystrophic epidermolysis bullosa; epidermolysis bullosa dystrophica, autosomal recessive; DYSTROPHIC EPIDERMOLYSIS BULLOSA, AUTOSOMAL RECESSIVE; EPIDERMOLYSIS BULLOSA DYSTROPHICA, HALLOPEAU-SIEMENS TYPE; Hallopeau-Siemens Disease. Identifiers: Orphanet 79408, Orphanet 79409, MedGen C0079474, MONDO:0009179, OMIM 226600.
Epidermolysis bullosa dystrophica. Also called: Dystrophic epidermolysis bullosa, Hallopeau-Siemens type (formerly); Dystrophic epidermolysis bullosa. Identifiers: Orphanet 303, MedGen C0079294, MONDO:0006543.

Submissions (2):

Natera, Inc.
Classification: Likely pathogenic for Dystrophic epidermolysis bullosa. Last evaluated: 2025-08-06. Review status: criteria provided, single submitter. Criteria: Natera Variant Classification Schema (03/2026). Collection method: clinical testing. Allele origin: germline.
Comment: The c.4232dup variant in COL7A1 is a frameshift variant predicted to shift the reading frame beginning at codon 1412 and leads to a stop codon 4 codons downstream. This variant is expected to result in nonsense mediated decay, truncation, or a dysfunctional protein product. This variant is rare in the general population with a frequency below the threshold expected for the associated phenotype(s). Given the available evidence, this variant is classified as Likely Pathogenic.

Myriad Genetics, Inc.
Classification: Pathogenic for Recessive dystrophic epidermolysis bullosa. Last evaluated: 2024-06-10. Review status: criteria provided, single submitter. Criteria: Myriad Autosomal Dominant, Autosomal Recessive and X-Linked Classification Criteria (2023). Collection method: clinical testing. Allele origin: unknown.
Comment: NM_000094.3(COL7A1):c.4232dupC(G1412Wfs*4) is expected to be pathogenic in the context of dystrophic epidermolysis bullosa. This variant is predicted to lead to an abnormal or absent protein product due to the creation of a premature termination codon in COL7A1, a gene where loss-of-function variants are known to be pathogenic. Please note: this variant was assessed in the context of healthy population screening.